The following is an entry in ClinVar:

NM_014920.5(CILK1):c.1448C>G (p.Ser483Cys)

Gene: CILK1 (ciliogenesis associated kinase 1; minus strand). Cytogenetic location: 6p12.1.
Variant type: single nucleotide variant.
Coding change: c.1448C>G on transcript NM_014920.5 (MANE Select); coding-DNA position 1448, C replaced by G.
Protein change: p.Ser483Cys; replaces serine 483 with cysteine.
Molecular consequence: missense variant. On other transcripts: non-coding transcript variant (1).
Genome position (GRCh38, 1-based): chr6:53,011,813, G>C on the plus strand (C>G on the coding strand, the complement: CILK1 is on the minus strand). VCF-style: chr6-53011813-G-C. GRCh37 (hg19) VCF-style: chr6-52876611-G-C.
Other names: c.1469C>G, p.Ser490Cys (NM_001375397.1); c.1448C>G, p.Ser483Cys (NM_001375398.1, NM_001375399.1, NM_001375400.1 and 3 more transcripts); short protein forms S490C, S483C.
Identifiers: ClinVar variation 780638 (VCV000780638.23), dbSNP rs115840580, ClinGen allele CA3858539.

ClinVar aggregate classification (germline): Benign/Likely benign. Review status: criteria provided, multiple submitters, no conflicts (2 of 4 stars). 4 submissions from 4 submitters: Benign (2); Likely benign (1). 1 of the submissions does not count toward it. Last evaluated 2026-01-21.

Conditions:
CILK1-related disorder. Also called: CILK1-related condition.

Allele frequency attached by ClinVar (database versions not stated): gnomAD exomes 0.00045 and 0.00133; ExAC 0.00158; gnomAD 0.00541 and 0.00580; ESP Exome Variant Server 0.00600; 1000 Genomes Project 0.00619; TOPMed 0.00626; 1000 Genomes Project 30x 0.00671.
gnomAD v4.1: 1,511 of 1,614,144 alleles (0.094%); highest among the groups gnomAD compares: African/African-American, 1.8%; 12 homozygotes.

Submissions (4):

Labcorp Genetics (formerly Invitae), Labcorp
Classification: Benign. Last evaluated: 2026-01-21. Review status: criteria provided, single submitter. Criteria: Invitae Variant Classification Sherloc (09022015). Collection method: clinical testing. Allele origin: germline.

Blueprint Genetics
Classification: Likely benign. Last evaluated: 2024-09-16. Review status: criteria provided, single submitter. Criteria: ACMG Guidelines, 2015. Collection method: clinical testing. Allele origin: germline.

ARUP Laboratories, Molecular Genetics and Genomics, ARUP Laboratories
Classification: Benign. Last evaluated: 2022-01-26. Review status: criteria provided, single submitter. Criteria: ARUP Molecular Germline Variant Investigation Process 2021. Collection method: clinical testing. Allele origin: germline.

PreventionGenetics, part of Exact Sciences
Classification: Likely benign for CILK1-related condition. Last evaluated: 2019-04-30. Review status: no assertion criteria provided. Collection method: clinical testing. Allele origin: germline. Not counted in ClinVar's aggregate classification.
Comment: This variant is classified as likely benign based on ACMG/AMP sequence variant interpretation guidelines (Richards et al. 2015 PMID: 25741868, with internal and published modifications).